The following is an entry in ClinVar:

ClinVar aggregate classification (germline): Pathogenic (1 of 4 stars; one submission).

Conditions:
Hereditary cancer-predisposing syndrome. Also called: Neoplastic Syndromes, Hereditary; Tumor predisposition; Hereditary Cancer Syndrome; Hereditary neoplastic syndrome. Identifiers: Orphanet 140162, MedGen C0027672, MeSH D009386, MONDO:0015356.

Submission:

Ambry Genetics
Classification: Pathogenic for Hereditary cancer-predisposing syndrome. Last evaluated: 2024-07-11. Review status: criteria provided, single submitter. Criteria: Ambry Variant Classification Scheme 2023. Collection method: clinical testing. Allele origin: germline.
Comment: The c.7933_7934insTA pathogenic mutation, located in coding exon 15 of the APC gene, results from an insertion of two nucleotides at position 7933, causing a translational frameshift with a predicted alternate stop codon (p.Y2645Lfs*16). This alteration occurs at the 3' terminus of theAPC gene, is not expected to trigger nonsense-mediated mRNA decay, and only impacts the last 7% of the protein. However, premature stop codons are typically deleterious in nature and a significant portion of the protein is affected and the impacted region is critical for protein function (Ambry internal data). This variant has been observed in at least one individual with a personal and/or family history that is consistent with APC-associated disease (Ambry internal data). This variant is considered to be rare based on population cohorts in the Genome Aggregation Database (gnomAD). Based on the supporting evidence, this variant is interpreted as a disease-causing mutation.

NM_000038.6(APC):c.7933_7934insTA (p.Tyr2645fs)

Gene: APC (APC regulator of Wnt signaling pathway; plus strand). Cytogenetic location: 5q22.2.
Variant type: Insertion.
Coding change: c.7933_7934insTA on transcript NM_000038.6 (MANE Select); coding-DNA positions 7933 to 7934, TA inserted.
Protein change: p.Tyr2645fs; shifts the reading frame from tyrosine 2645.
Molecular consequence: frameshift variant. On other transcripts: non-coding transcript variant (2).
Genome position: GRCh38 VCF-style: chr5-112843527-T-TTA. GRCh37 (hg19) VCF-style: chr5-112179224-T-TTA.
Other names: c.7933_7934insTA, p.Tyr2645fs (NM_001127510.3, NM_001354895.2, NM_001407450.1); c.7879_7880insTA, p.Tyr2627fs (NM_001127511.3); c.7987_7988insTA, p.Tyr2663fs (NM_001354896.2, NM_001407447.1, NM_001407448.1 and 1 more transcripts); c.7963_7964insTA, p.Tyr2655fs (NM_001354897.2); c.7858_7859insTA, p.Tyr2620fs (NM_001354898.2); c.7849_7850insTA, p.Tyr2617fs (NM_001354899.2); c.7810_7811insTA, p.Tyr2604fs (NM_001354900.2); c.7756_7757insTA, p.Tyr2586fs (NM_001354901.2, NM_001407453.1); and 11 more; short protein forms Y2261fs, Y2519fs, Y2554fs, Y2627fs, Y2586fs, Y2604fs, Y2645fs, Y2655fs.
Identifiers: ClinVar variation 3409384 (VCV003409384.1).